The following is an entry in ClinVar:

NM_018076.5(ODAD2):c.800G>T (p.Gly267Val)

Gene: ODAD2 (outer dynein arm docking complex subunit 2; minus strand). Cytogenetic location: 10p12.1.
Variant type: single nucleotide variant.
Coding change: c.800G>T on transcript NM_018076.5 (MANE Select); coding-DNA position 800, G replaced by T.
Protein change: p.Gly267Val; replaces glycine 267 with valine.
Molecular consequence: missense variant.
Genome position (GRCh38, 1-based): chr10:27,983,862, C>A on the plus strand (G>T on the coding strand, the complement: ODAD2 is on the minus strand). VCF-style: chr10-27983862-C-A. GRCh37 (hg19) VCF-style: chr10-28272791-C-A.
Other names: c.800G>T, p.Gly267Val (NM_001290020.2); short protein forms G267V.
Identifiers: ClinVar variation 1681391 (VCV001681391.16), dbSNP rs183878259, ClinGen allele CA5453719.

ClinVar aggregate classification (germline): Uncertain significance. Review status: criteria provided, multiple submitters, no conflicts (2 of 4 stars). 2 submissions from 2 submitters: Uncertain significance (2). Last evaluated 2024-12-03.

Conditions:
Primary ciliary dyskinesia 23 (CILD23). Also called: CILIARY DYSKINESIA, PRIMARY, 23, WITH OR WITHOUT SITUS INVERSUS. Identifiers: Orphanet 244, MedGen C3809548, MONDO:0014193, OMIM 615451.
Primary ciliary dyskinesia. Also called: Ciliary dyskinesia. Identifiers: Orphanet 244, MedGen C0008780, MONDO:0016575, HP:0012265.

Allele frequency attached by ClinVar (database versions not stated): ExAC 0.00004; gnomAD exomes 0.00005; TOPMed 0.00006; ESP Exome Variant Server 0.00008; gnomAD 0.00009; 1000 Genomes Project 30x 0.00031; 1000 Genomes Project 0.00040.
gnomAD v4.1: 196 of 1,613,350 alleles (0.012%); highest among the groups gnomAD compares: Non-Finnish European, 0.016%; no homozygotes.

Submissions (2):

Ambry Genetics
Classification: Uncertain significance for Primary ciliary dyskinesia. Last evaluated: 2024-12-03. Review status: criteria provided, single submitter. Criteria: Ambry Variant Classification Scheme 2023. Collection method: clinical testing. Allele origin: germline.

Labcorp Genetics (formerly Invitae), Labcorp
Classification: Uncertain significance for Primary ciliary dyskinesia 23. Last evaluated: 2021-09-24. Review status: criteria provided, single submitter. Criteria: Invitae Variant Classification Sherloc (09022015). Collection method: clinical testing. Allele origin: germline.
Comment: This sequence change replaces glycine with valine at codon 267 of the ARMC4 protein (p.Gly267Val). The glycine residue is weakly conserved and there is a moderate physicochemical difference between glycine and valine. This variant is present in population databases (rs183878259, ExAC 0.01%). This variant has not been reported in the literature in individuals with ARMC4-related conditions. Algorithms developed to predict the effect of missense changes on protein structure and function (SIFT, PolyPhen-2, Align-GVGD) all suggest that this variant is likely to be tolerated, but these predictions have not been confirmed by published functional studies and their clinical significance is uncertain. Algorithms developed to predict the effect of sequence changes on RNA splicing suggest that this variant may create or strengthen a splice site, but this prediction has not been confirmed by published transcriptional studies. In summary, the available evidence is currently insufficient to determine the role of this variant in disease. Therefore, it has been classified as a Variant of Uncertain Significance.